The following is an entry in ClinVar:

NM_000208.4(INSR):c.1191C>T (p.Ile397=)

Gene: INSR (insulin receptor; minus strand). Cytogenetic location: 19p13.2.
Variant type: single nucleotide variant.
Coding change: c.1191C>T on transcript NM_000208.4 (MANE Select); coding-DNA position 1191, C replaced by T.
Protein change: p.Ile397=; no amino-acid change (isoleucine 397 retained).
Molecular consequence: synonymous variant.
Genome position (GRCh38, 1-based): chr19:7,172,367, G>A on the plus strand (C>T on the coding strand, the complement: INSR is on the minus strand). VCF-style: chr19-7172367-G-A. GRCh37 (hg19) VCF-style: chr19-7172378-G-A.
Other names: c.1191C>T, p.Ile397= (NM_001079817.3).
Identifiers: ClinVar variation 732064 (VCV000732064.13), dbSNP rs56135071, ClinGen allele CA9135891.

ClinVar aggregate classification (germline): Likely benign. Review status: criteria provided, multiple submitters, no conflicts (2 of 4 stars). 4 submissions from 4 submitters: Likely benign (3). 1 of the submissions does not count toward it. Last evaluated 2023-12-15.

Conditions:
INSR-related disorder.

Allele frequency attached by ClinVar (database versions not stated): ESP Exome Variant Server 0.00008; gnomAD 0.00015; 1000 Genomes Project 30x 0.00016; TOPMed 0.00019; 1000 Genomes Project 0.00020; ExAC 0.00020; gnomAD exomes 0.00031.
gnomAD v4.1: 131 of 1,614,094 alleles (0.0081%); highest among the groups gnomAD compares: East Asian, 0.19%; 1 homozygote.

Submissions (4):

Blueprint Genetics
Classification: Likely benign. Last evaluated: 2023-12-15. Review status: criteria provided, single submitter. Criteria: ACMG Guidelines, 2015. Collection method: clinical testing. Allele origin: germline.

Labcorp Genetics (formerly Invitae), Labcorp
Classification: Likely benign. Last evaluated: 2022-12-27. Review status: criteria provided, single submitter. Criteria: Invitae Variant Classification Sherloc (09022015). Collection method: clinical testing. Allele origin: germline.

Genetic Services Laboratory, University of Chicago
Classification: Likely benign. Last evaluated: 2018-10-09. Review status: criteria provided, single submitter. Criteria: ACMG Guidelines, 2015. Collection method: clinical testing. Allele origin: germline. Affected: no.

PreventionGenetics, part of Exact Sciences
Classification: Likely benign for INSR-related condition. Last evaluated: 2019-08-09. Review status: no assertion criteria provided. Collection method: clinical testing. Allele origin: germline. Not counted in ClinVar's aggregate classification.
Comment: This variant is classified as likely benign based on ACMG/AMP sequence variant interpretation guidelines (Richards et al. 2015 PMID: 25741868, with internal and published modifications).